The following is an entry in ClinVar:

NM_000245.4(MET):c.1249C>A (p.Arg417=)

Gene: MET (MET proto-oncogene, receptor tyrosine kinase; plus strand). Cytogenetic location: 7q31.2.
Variant type: single nucleotide variant.
Coding change: c.1249C>A on transcript NM_000245.4 (MANE Select); coding-DNA position 1249, C replaced by A.
Protein change: p.Arg417=; no amino-acid change (arginine 417 retained).
Molecular consequence: synonymous variant. On other transcripts: 5 prime UTR variant (1).
Genome position (GRCh38, 1-based): chr7:116,731,716, C>A. VCF-style: chr7-116731716-C-A. GRCh37 (hg19) VCF-style: chr7-116371770-C-A.
Other names: c.1249C>A, p.Arg417= (NM_001127500.3, NM_001324401.3); c.-42C>A (NM_001324402.2).
Identifiers: ClinVar variation 2729144 (VCV002729144.5), dbSNP rs369705803, ClinGen allele CA4448122.
Genomic context (GRCh38, chr7:116,731,716, plus strand): 5'-ATTTTATTCCAGACACTTCTGAGAAATTCATCAGGCTGTGAAGCGCGCCGTGATGAATAT[C>A]GAACAGAGTTTACCACAGCTTTGCAGCGCGTTGACTTATTCATGGGTCAATTCAGCGAAG-3'
Protein context (NP_000236.2, residues 407-427): SGCEARRDEY[Arg417=]TEFTTALQRV

ClinVar aggregate classification (germline): Benign/Likely benign. Review status: criteria provided, multiple submitters, no conflicts (2 of 4 stars). 3 submissions from 3 submitters: Benign (1); Likely benign (2). Last evaluated 2025-08-07.

Conditions:
Renal cell carcinoma. Identifiers: Orphanet 217071, MedGen C0007134, MeSH D002292, MONDO:0005086, HP:0005584.
Hereditary cancer-predisposing syndrome. Also called: Hereditary Cancer Syndrome; Tumor predisposition; Neoplastic Syndromes, Hereditary; Hereditary neoplastic syndrome. Identifiers: Orphanet 140162, MedGen C0027672, MeSH D009386, MONDO:0015356.
Papillary renal cell carcinoma type 1 (RCCP1). Also called: Renal adenocarcinoma; Renal cell carcinoma 1; Renal cell carcinoma, somatic; RENAL CELL CARCINOMA, PAPILLARY, 1, SOMATIC. Identifiers: Orphanet 47044, MedGen C1336839, OMIM 605074, HP:0011797.

Allele frequency attached by ClinVar (database versions not stated): ExAC 0.00001; ESP Exome Variant Server 0.00008.

Submissions (3):

Ambry Genetics
Classification: Likely benign for Hereditary cancer-predisposing syndrome. Last evaluated: 2025-08-07. Review status: criteria provided, single submitter. Criteria: Ambry Variant Classification Scheme 2023. Collection method: clinical testing. Allele origin: germline.

Myriad Genetics, Inc.
Classification: Benign for Papillary renal cell carcinoma type 1. Last evaluated: 2024-11-07. Review status: criteria provided, single submitter. Criteria: Myriad Autosomal Dominant, Autosomal Recessive and X-Linked Classification Criteria (2023). Collection method: clinical testing. Allele origin: unknown.
Comment: This variant is considered benign. This variant is a silent/synonymous amino acid change and it is not expected to impact splicing.

Labcorp Genetics (formerly Invitae), Labcorp
Classification: Likely benign for Renal cell carcinoma. Last evaluated: 2024-04-23. Review status: criteria provided, single submitter. Criteria: Invitae Variant Classification Sherloc (09022015). Collection method: clinical testing. Allele origin: germline.